The following is an entry in ClinVar:

ClinVar aggregate classification (germline): Pathogenic/Likely pathogenic. Review status: criteria provided, multiple submitters, no conflicts (2 of 4 stars). 3 submissions from 3 submitters: Pathogenic (1); Likely pathogenic (2). Last evaluated 2025-09-11.

Conditions:
SLC12A3-related disorder. Also called: SLC12A3-related condition.
Familial hypokalemia-hypomagnesemia (GTLMNS). Also called: HYPOMAGNESEMIA-HYPOKALEMIA, PRIMARY RENOTUBULAR, WITH HYPOCALCIURIA; POTASSIUM AND MAGNESIUM DEPLETION; gitelman syndrome. Identifiers: Orphanet 358, MedGen C0268450, MONDO:0009904, OMIM 263800.

Allele frequency attached by ClinVar (database versions not stated): gnomAD exomes below 0.00001; TOPMed below 0.00001.
gnomAD v4.1: 1 of 1,613,132 alleles (0.000062%); highest among the groups gnomAD compares: Non-Finnish European, 0.000085%; no homozygotes.

Submissions (3):

Natera, Inc.
Classification: Pathogenic for Gitelman syndrome. Last evaluated: 2025-09-11. Review status: criteria provided, single submitter. Criteria: Natera Variant Classification Schema (03/2026). Collection method: clinical testing. Allele origin: germline.
Comment: The c.2548+1G>T variant in SLC12A3 is a canonical splice donor site variant predicted to affect pre-mRNA splicing, which may result in an abnormal transcript and altered protein product. This variant is expected to result in nonsense mediated decay, truncation, or a dysfunctional protein product. This variant is rare in the general population with a frequency below the threshold expected for the associated phenotype(s). This variant has been observed in one or more individuals affected with the associated recessive disease, as either homozygous or compound heterozygous with a second variant (PMID: 38478191, 18391953, 22009145, 21415153). Given the available evidence, this variant is classified as Pathogenic.

Labcorp Genetics (formerly Invitae), Labcorp
Classification: Likely pathogenic. Last evaluated: 2023-02-22. Review status: criteria provided, single submitter. Criteria: Invitae Variant Classification Sherloc (09022015). Collection method: clinical testing. Allele origin: germline.
Comment: In summary, the currently available evidence indicates that the variant is pathogenic, but additional data are needed to prove that conclusively. Therefore, this variant has been classified as Likely Pathogenic. Algorithms developed to predict the effect of sequence changes on RNA splicing suggest that this variant may disrupt the consensus splice site. ClinVar contains an entry for this variant (Variation ID: 1484551). This variant is also known as intron 21 5’ splice gt>tt. Disruption of this splice site has been observed in individual(s) with Gitelman syndrome (PMID: 18391953). This variant is not present in population databases (gnomAD no frequency). This sequence change affects a donor splice site in intron 21 of the SLC12A3 gene. It is expected to disrupt RNA splicing. Variants that disrupt the donor or acceptor splice site typically lead to a loss of protein function (PMID: 16199547), and loss-of-function variants in SLC12A3 are known to be pathogenic (PMID: 20848653, 22009145, 25841442).

Blueprint Genetics
Classification: Likely pathogenic for SLC12A3-related disorders. Last evaluated: 2022-04-08. Review status: criteria provided, single submitter. Criteria: ACMG Guidelines, 2015. Collection method: clinical testing. Allele origin: germline. Affected: yes. Observed: 1 variant allele.

Literature cited by the submitters: PubMed 38478191 (cited by Natera, Inc.); PubMed 18391953 (cited by Natera, Inc. and Labcorp Genetics (formerly Invitae), Labcorp); PubMed 22009145 (cited by Natera, Inc. and Labcorp Genetics (formerly Invitae), Labcorp); PubMed 21415153 (cited by Natera, Inc.); PubMed 16199547 (cited by Labcorp Genetics (formerly Invitae), Labcorp); PubMed 20848653 (cited by Labcorp Genetics (formerly Invitae), Labcorp); PubMed 25841442 (cited by Labcorp Genetics (formerly Invitae), Labcorp).

NM_001126108.2(SLC12A3):c.2521+1G>T

Gene: SLC12A3 (solute carrier family 12 member 3; plus strand). Cytogenetic location: 16q13.
Variant type: single nucleotide variant.
Coding change: c.2521+1G>T on transcript NM_001126108.2 (MANE Select); the canonical splice donor site of the intron after coding-DNA position 2521, G replaced by T.
Molecular consequence: splice donor variant.
Genome position (GRCh38, 1-based): chr16:56,893,055, G>T. VCF-style: chr16-56893055-G-T. GRCh37 (hg19) VCF-style: chr16-56926967-G-T.
Other names: c.2548+1G>T (NM_000339.2, NM_000339.3); c.2545+1G>T (NM_001126107.2); c.2518+1G>T (NM_001410896.1).
Identifiers: ClinVar variation 1484551 (VCV001484551.10), dbSNP rs557772454, ClinGen allele CA281513209.
Genomic context (GRCh38, chr16:56,893,055, plus strand): 5'-TCTTCCAGTCGGAGCAGGGCAAGAAGACCATAGACATCTACTGGCTCTTTGACGATGGAG[G>T]TCAGTGACCCCCTTGGATCAGCCCTCCTGCCCGGCGGGGGCGGGGTGGTGGTGGTCTTCC-3'